The following is an entry in ClinVar:

NM_001127198.5(TMC6):c.1159T>C (p.Trp387Arg)

Gene: TMC6 (transmembrane channel like 6; minus strand). Cytogenetic location: 17q25.3.
Variant type: single nucleotide variant.
Coding change: c.1159T>C on transcript NM_001127198.5 (MANE Select); coding-DNA position 1159, T replaced by C.
Protein change: p.Trp387Arg; replaces tryptophan 387 with arginine.
Molecular consequence: missense variant. On other transcripts: non-coding transcript variant (4).
Genome position (GRCh38, 1-based): chr17:78,122,673, A>G on the plus strand (T>C on the coding strand, the complement: TMC6 is on the minus strand). VCF-style: chr17-78122673-A-G. GRCh37 (hg19) VCF-style: chr17-76118754-A-G.
Other names: c.1159T>C, p.Trp387Arg (NM_001321185.1, NM_001374593.1, NM_001374594.1 and 4 more transcripts); short protein forms W387R.
Identifiers: ClinVar variation 1949356 (VCV001949356.2), dbSNP rs142057980, ClinGen allele CA8795851.

ClinVar aggregate classification (germline): Uncertain significance (1 of 4 stars; one submission).

Conditions:
Epidermodysplasia verruciformis. Identifiers: Orphanet 302, MedGen C0014522, MONDO:0009176.

Allele frequency attached by ClinVar (database versions not stated): gnomAD 0.00001; gnomAD exomes 0.00004; ExAC 0.00012; 1000 Genomes Project 30x 0.00031.
gnomAD v4.1: 56 of 1,612,152 alleles (0.0035%); highest among the groups gnomAD compares: South Asian, 0.059%; no homozygotes.

Submission:

Labcorp Genetics (formerly Invitae), Labcorp
Classification: Uncertain significance for Epidermodysplasia verruciformis. Last evaluated: 2022-08-19. Review status: criteria provided, single submitter. Criteria: Invitae Variant Classification Sherloc (09022015). Collection method: clinical testing. Allele origin: germline.
Comment: This sequence change replaces tryptophan, which is neutral and slightly polar, with arginine, which is basic and polar, at codon 387 of the TMC6 protein (p.Trp387Arg). This variant is present in population databases (rs142057980, gnomAD 0.07%). This variant has not been reported in the literature in individuals affected with TMC6-related conditions. Algorithms developed to predict the effect of missense changes on protein structure and function are either unavailable or do not agree on the potential impact of this missense change (SIFT: "Not Available"; PolyPhen-2: "Probably Damaging"; Align-GVGD: "Not Available"). In summary, the available evidence is currently insufficient to determine the role of this variant in disease. Therefore, it has been classified as a Variant of Uncertain Significance.